The following is an entry in ClinVar:

ClinVar aggregate classification (germline): Uncertain significance (1 of 4 stars; one submission).

Submission:

Women's Health and Genetics/Laboratory Corporation of America, LabCorp
Classification: Uncertain significance. Last evaluated: 2025-10-14. Review status: criteria provided, single submitter. Criteria: LabCorp Variant Classification Summary - May 2015. Collection method: clinical testing. Allele origin: germline.
Comment: Variant summary: U2AF2 c.-9C>T is located in the untranslated mRNA region upstream of the initiation codon. The variant was absent in 233528 control chromosomes. The available data on variant occurrences in the general population are insufficient to allow any conclusion about variant significance. To our knowledge, no occurrence of c.-9C>T in individuals affected with U2AF2-related conditions and no experimental evidence demonstrating its impact on protein function have been reported. No submitters have cited clinical-significance assessments for this variant to ClinVar. Based on the evidence outlined above, the variant was classified as uncertain significance.

NM_007279.3(U2AF2):c.-9C>T

Gene: U2AF2 (U2 small nuclear RNA auxiliary factor 2; plus strand). Cytogenetic location: 19q13.42.
Variant type: single nucleotide variant.
Coding change: c.-9C>T on transcript NM_007279.3 (MANE Select); 9 bases upstream of the start codon, C replaced by T.
Molecular consequence: 5 prime UTR variant.
Genome position (GRCh38, 1-based): chr19:55,655,096, C>T. VCF-style: chr19-55655096-C-T. GRCh37 (hg19) VCF-style: chr19-56166462-C-T.
Other names: c.-9C>T (NM_001012478.2).
Identifiers: ClinVar variation 4687309 (VCV004687309.1).